The following is an entry in ClinVar:

NM_001199107.2(TBC1D24):c.759G>A (p.Lys253=)

Gene: TBC1D24 (TBC1 domain family member 24; plus strand). Cytogenetic location: 16p13.3.
Variant type: single nucleotide variant.
Coding change: c.759G>A on transcript NM_001199107.2 (MANE Select); coding-DNA position 759, G replaced by A.
Protein change: p.Lys253=; no amino-acid change (lysine 253 retained).
Molecular consequence: synonymous variant.
Genome position (GRCh38, 1-based): chr16:2,496,907, G>A. VCF-style: chr16-2496907-G-A. GRCh37 (hg19) VCF-style: chr16-2546908-G-A.
Other names: c.759G>A, p.Lys253= (NM_020705.3).
Identifiers: ClinVar variation 659552 (VCV000659552.16), dbSNP rs190306450, ClinGen allele CA7844062.
Genomic context (GRCh38, chr16:2,496,907, plus strand): 5'-GGTGGAGGGCTACAAGGTGCTGTACCGCGTGGCGCTGGCCATCCTCAAGTTCTTCCACAA[G>A]GTGAGGGCCGGGCAGCCGCTGGAGTCGGACAGCGTGAAGCAGGACATCCGCACGTTCGTC-3'
Protein context (NP_001186036.1, residues 243-263): VALAILKFFH[Lys253=]VRAGQPLESD

ClinVar aggregate classification (germline): Likely benign. Review status: criteria provided, multiple submitters, no conflicts (2 of 4 stars). 4 submissions from 4 submitters: Likely benign (4). Last evaluated 2026-06-18.

Conditions:
TBC1D24-related disorder. Also called: TBC1D24-related disorders; TBC1D24-related condition. Identifiers: MedGen CN381194.
Inborn genetic diseases. Identifiers: MedGen C0950123, MeSH D030342.
Developmental and epileptic encephalopathy, 1 (DEE1). Also called: X-linked infantile spasms; West's syndrome; Tonic spasms with clustering, arrest of psychomotor development and hypsarrhythmia on EEG; X-Linked Infantile Spasm Syndrome; OHTAHARA SYNDROME, X-LINKED; Epileptic encephalopathy, early infantile, 1. Identifiers: MedGen C3463992, MONDO:0010632, OMIM 308350. Disease mechanism: loss of function.
Autosomal dominant nonsyndromic hearing loss 65. Also called: TBC1D24-Related Autosomal Dominant Nonsyndromic Hearing Loss (DFNA); Deafness, autosomal dominant 65. Identifiers: Orphanet 90635, MedGen C3892048, MONDO:0014470, OMIM 616044.

Allele frequency attached by ClinVar (database versions not stated): gnomAD exomes 0.00002; ExAC 0.00003; gnomAD 0.00004 and 0.00005; TOPMed 0.00009; 1000 Genomes Project 30x 0.00016; 1000 Genomes Project 0.00020; ESP Exome Variant Server 0.00024.
gnomAD v4.1: 29 of 1,614,106 alleles (0.0018%); highest among the groups gnomAD compares: African/African-American, 0.031%; no homozygotes.

Submissions (4):

PreventionGenetics, part of Exact Sciences
Classification: Likely benign for TBC1D24-related condition. Last evaluated: 2026-06-18. Review status: criteria provided, single submitter. Criteria: ACMG Guidelines, 2015. Collection method: clinical testing. Allele origin: germline.
Comment: This variant is classified as likely benign based on ACMG/AMP sequence variant interpretation guidelines (Richards et al. 2015 PMID: 25741868, with internal and published modifications).

Labcorp Genetics (formerly Invitae), Labcorp
Classification: Likely benign for Developmental and epileptic encephalopathy, 1; Autosomal dominant nonsyndromic hearing loss 65. Last evaluated: 2026-01-27. Review status: criteria provided, single submitter. Criteria: Invitae Variant Classification Sherloc (09022015). Collection method: clinical testing. Allele origin: germline.

GeneDx
Classification: Likely benign. Last evaluated: 2019-09-23. Review status: criteria provided, single submitter. Criteria: GeneDx Variant Classification Process June 2021. Collection method: clinical testing. Allele origin: germline. Affected: yes.

Ambry Genetics
Classification: Likely benign for Inborn genetic diseases. Last evaluated: 2018-07-26. Review status: criteria provided, single submitter. Criteria: Ambry Variant Classification Scheme 2023. Collection method: clinical testing. Allele origin: germline.